The following is an entry in ClinVar:

ClinVar aggregate classification (germline): Uncertain significance (1 of 4 stars; one submission).

Submission:

GeneDx
Classification: Uncertain significance. Last evaluated: 2024-09-05. Review status: criteria provided, single submitter. Criteria: GeneDx Variant Classification Process June 2021. Collection method: clinical testing. Allele origin: germline. Affected: yes.
Comment: Not observed at significant frequency in large population cohorts (gnomAD); In silico analysis supports that this missense variant has a deleterious effect on protein structure/function; Has not been previously published as pathogenic or benign to our knowledge

NM_001393769.1(MED12L):c.445T>C (p.Tyr149His)

Gene: MED12L (mediator complex subunit 12L; plus strand). Cytogenetic location: 3q25.1.
Variant type: single nucleotide variant.
Coding change: c.445T>C on transcript NM_001393769.1 (MANE Select); coding-DNA position 445, T replaced by C.
Protein change: p.Tyr149His; replaces tyrosine 149 with histidine.
Molecular consequence: missense variant.
Genome position (GRCh38, 1-based): chr3:151,127,873, T>C. VCF-style: chr3-151127873-T-C. GRCh37 (hg19) VCF-style: chr3-150845660-T-C.
Other names: c.445T>C, p.Tyr149His (NM_053002.6); short protein forms Y149H.
Identifiers: ClinVar variation 3767669 (VCV003767669.1).
Genomic context (GRCh38, chr3:151,127,873, plus strand): 5'-GTTTCTTTTTAGGTTCCTATCCTTAGTAAAAAAGAGGATGTTTTTGCATATTTAGCTAAA[T>C]ATTCTGTGCCAATGGTTCGAGCAACGTGGCTGATCAAGATGACTTGTGCCTATTATTCTG-3'
Protein context (NP_001380698.1, residues 139-159): KEDVFAYLAK[Tyr149His]SVPMVRATWL